The following is an entry in ClinVar:

ClinVar aggregate classification (germline): Uncertain significance. Review status: criteria provided, multiple submitters, no conflicts (2 of 4 stars). 3 submissions from 3 submitters: Uncertain significance (3). Last evaluated 2023-06-23.

Conditions:
Inborn genetic diseases. Identifiers: MedGen C0950123, MeSH D030342.
Congenital heart defects, dysmorphic facial features, and intellectual developmental disorder (CHDFIDD). Identifiers: Orphanet 646278, MedGen C4479246, MONDO:0044302, OMIM 617360.

Allele frequency attached by ClinVar (database versions not stated): gnomAD 0.00001; 1000 Genomes Project 30x 0.00016; 1000 Genomes Project 0.00020.

Submissions (3):

Ambry Genetics
Classification: Uncertain significance for Inborn genetic diseases. Last evaluated: 2023-06-23. Review status: criteria provided, single submitter. Criteria: Ambry Variant Classification Scheme 2023. Collection method: clinical testing. Allele origin: germline.

Neuberg Centre For Genomic Medicine, NCGM
Classification: Uncertain significance for Congenital heart defects, dysmorphic facial features, and intellectual developmental disorder. Last evaluated: 2023-06-22. Review status: criteria provided, single submitter. Criteria: ACMG Guidelines, 2015. Collection method: clinical testing. Allele origin: germline. Inheritance: Autosomal dominant inheritance. Affected: yes.
Comment: The observed missense c.3988G>C(p.Val1330Leu) variant in CDK13 gene has not been reported previously as a pathogenic variant nor a benign variant, to our knowledge. The p.Val1330Leu variant has been reported with allele frequency of 0.0004% in gnomAD Exomes. This variant has been submitted to the ClinVar database as Uncertain Significance. Multiple lines of computational evidences (Polyphen - Benign, SIFT - Tolerated and MutationTaster - Polymorphism) predict no damaging effect on protein structure and function for this variant. The reference amino acid change at this position on CDK13 gene is predicted as conserved by GERP++ and PhyloP across 100 vertebrates. The amino acid Val at position 1330 is changed to a Leu changing protein sequence and it might alter its composition and physico-chemical properties. For these reasons, this variant has been classified as a Variant of Uncertain Significance (VUS).

Labcorp Genetics (formerly Invitae), Labcorp
Classification: Uncertain significance. Last evaluated: 2022-08-11. Review status: criteria provided, single submitter. Criteria: Invitae Variant Classification Sherloc (09022015). Collection method: clinical testing. Allele origin: germline.
Comment: In summary, the available evidence is currently insufficient to determine the role of this variant in disease. Therefore, it has been classified as a Variant of Uncertain Significance. Advanced modeling of protein sequence and biophysical properties (such as structural, functional, and spatial information, amino acid conservation, physicochemical variation, residue mobility, and thermodynamic stability) performed at Invitae indicates that this missense variant is not expected to disrupt CDK13 protein function. This variant has not been reported in the literature in individuals affected with CDK13-related conditions. This variant is present in population databases (rs527978475, gnomAD 0.003%). This sequence change replaces valine, which is neutral and non-polar, with leucine, which is neutral and non-polar, at codon 1330 of the CDK13 protein (p.Val1330Leu).

NM_003718.5(CDK13):c.3988G>C (p.Val1330Leu)

Gene: CDK13 (cyclin dependent kinase 13; plus strand). Cytogenetic location: 7p14.1.
Variant type: single nucleotide variant.
Coding change: c.3988G>C on transcript NM_003718.5 (MANE Select); coding-DNA position 3988, G replaced by C.
Protein change: p.Val1330Leu; replaces valine 1330 with leucine.
Molecular consequence: missense variant.
Genome position (GRCh38, 1-based): chr7:40,094,429, G>C. VCF-style: chr7-40094429-G-C. GRCh37 (hg19) VCF-style: chr7-40134028-G-C.
Other names: c.3808G>C, p.Val1270Leu (NM_031267.4); short protein forms V1270L, V1330L.
Identifiers: ClinVar variation 2175485 (VCV002175485.7), dbSNP rs527978475, ClinGen allele CA4229045.
Genomic context (GRCh38, chr7:40,094,429, plus strand): 5'-CAGCCCCAGGATGACCCCAAAAGAGAAGGTGGGATTGATTATCAAGCAGGAGACACTTAC[G>C]TGTCCACTTCAGACTACAAGGACAACTTTGGATCCTCTTCTTTCTCTTCTGCTCCTTATG-3'
Protein context (NP_003709.3, residues 1320-1340): GIDYQAGDTY[Val1330Leu]STSDYKDNFG